The following is an entry in ClinVar:

ClinVar aggregate classification (germline): Uncertain significance. Review status: criteria provided, multiple submitters, no conflicts (2 of 4 stars). 3 submissions from 3 submitters: Uncertain significance (3). Last evaluated 2025-10-08.

Conditions:
Osteogenesis imperfecta type I (OI1). Also called: OI, TYPE I; OSTEOGENESIS IMPERFECTA TARDA; OSTEOGENESIS IMPERFECTA WITH BLUE SCLERAE; Classic Non-deforming Osteogenesis Imperfecta with Blue Sclerae; Lobstein's Disease; Osteogenesis imperfecta type 1. Identifiers: Orphanet 216796, Orphanet 666, MedGen C0023931, MONDO:0008146, OMIM 166200. Disease mechanism: loss of function.
Cardiovascular phenotype. Identifiers: MedGen CN230736.

gnomAD v4.1: 9 of 1,591,118 alleles (0.00057%); highest among the groups gnomAD compares: African/African-American, 0.011%; no homozygotes.

Submissions (3):

Ambry Genetics
Classification: Uncertain significance for Cardiovascular phenotype. Last evaluated: 2025-10-08. Review status: criteria provided, single submitter. Criteria: Ambry Variant Classification Scheme 2023. Collection method: clinical testing. Allele origin: germline.
Comment: The p.P817A variant (also known as c.2449C>G), located in coding exon 35 of the COL1A1 gene, results from a C to G substitution at nucleotide position 2449. The proline at codon 817 is replaced by alanine, an amino acid with highly similar properties. This amino acid position is highly conserved in available vertebrate species. In addition, the in silico prediction for this alteration is inconclusive. Based on the available evidence, the clinical significance of this variant remains unclear.

Labcorp Genetics (formerly Invitae), Labcorp
Classification: Uncertain significance for Osteogenesis imperfecta type I. Last evaluated: 2025-07-23. Review status: criteria provided, single submitter. Criteria: Invitae Variant Classification Sherloc (09022015). Collection method: clinical testing. Allele origin: germline.
Comment: This sequence change replaces proline, which is neutral and non-polar, with alanine, which is neutral and non-polar, at codon 817 of the COL1A1 protein (p.Pro817Ala). This variant is present in population databases (no rsID available, gnomAD 0.01%). This variant has not been reported in the literature in individuals affected with COL1A1-related conditions. ClinVar contains an entry for this variant (Variation ID: 3340933). Experimental studies and prediction algorithms are not available or were not evaluated, and the functional significance of this variant is currently unknown. In summary, the available evidence is currently insufficient to determine the role of this variant in disease. Therefore, it has been classified as a Variant of Uncertain Significance.

GeneDx
Classification: Uncertain significance. Last evaluated: 2024-01-09. Review status: criteria provided, single submitter. Criteria: GeneDx Variant Classification Process June 2021. Collection method: clinical testing. Allele origin: germline. Affected: yes.
Comment: Not observed at significant frequency in large population cohorts (gnomAD); Occurs in the triple helical domain at the Y position in the canonical Gly-X-Y repeat; although this variant may have an effect on normal protein folding and function, missense substitution at the Y position is not a common mechanism of disease (HGMD); In silico analysis supports that this missense variant has a deleterious effect on protein structure/function; Has not been previously published as pathogenic or benign to our knowledge

NM_000088.4(COL1A1):c.2449C>G (p.Pro817Ala)

Gene: COL1A1 (collagen type I alpha 1 chain; minus strand). Cytogenetic location: 17q21.33.
Variant type: single nucleotide variant.
Coding change: c.2449C>G on transcript NM_000088.4 (MANE Select); coding-DNA position 2449, C replaced by G.
Protein change: p.Pro817Ala; replaces proline 817 with alanine.
Molecular consequence: missense variant.
Genome position (GRCh38, 1-based): chr17:50,190,329, G>C on the plus strand (C>G on the coding strand, the complement: COL1A1 is on the minus strand). VCF-style: chr17-50190329-G-C. GRCh37 (hg19) VCF-style: chr17-48267690-G-C.
Other names: short protein forms P817A.
Identifiers: ClinVar variation 3340933 (VCV003340933.3).